The following is an entry in ClinVar:

NM_133459.4(CCBE1):c.*2372C>T

Gene: CCBE1 (collagen and calcium binding EGF domains 1; minus strand). Cytogenetic location: 18q21.32.
Variant type: single nucleotide variant.
Coding change: c.*2372C>T on transcript NM_133459.4 (MANE Select); 2372 bases downstream of the stop codon, C replaced by T.
Molecular consequence: 3 prime UTR variant.
Genome position (GRCh38, 1-based): chr18:59,433,536, G>A on the plus strand (C>T on the coding strand, the complement: CCBE1 is on the minus strand). VCF-style: chr18-59433536-G-A. GRCh37 (hg19) VCF-style: chr18-57100768-G-A.
Other names: c.*2372C>T (LRG_1209t1).
Identifiers: ClinVar variation 327639 (VCV000327639.6), dbSNP rs9959080, ClinGen allele CA10652028.

ClinVar aggregate classification (germline): Benign. Review status: criteria provided, multiple submitters, no conflicts (2 of 4 stars). 2 submissions from 2 submitters: Benign (2). Last evaluated 2018-01-13.

Conditions:
Hennekam lymphangiectasia-lymphedema syndrome 1 (HKLLS1). Also called: LYMPHATIC DYSPLASIA, GENERALIZED. Identifiers: Orphanet 2136, MedGen C4012050, MONDO:0009337, OMIM 235510.

Allele frequency attached by ClinVar (database versions not stated): gnomAD 0.82464 and 0.82714; TOPMed 0.82805; 1000 Genomes Project 30x 0.85353; 1000 Genomes Project 0.85523; gnomAD exomes 0.87500.
gnomAD v4.1: 125,506 of 151,786 alleles (83%); highest among the groups gnomAD compares: South Asian, 91%; 51,983 homozygotes.

Submissions (2):

Illumina Laboratory Services, Illumina
Classification: Benign for Hennekam lymphangiectasia-lymphedema syndrome 1. Last evaluated: 2018-01-13. Review status: criteria provided, single submitter. Criteria: ICSL Variant Classification Criteria 13 December 2019. Collection method: clinical testing. Allele origin: germline.
Comment: This variant was observed in the ICSL laboratory as part of a predisposition screen in an ostensibly healthy population. It had not been previously curated by ICSL or reported in the Human Gene Mutation Database (HGMD: prior to June 1st, 2018), and was therefore a candidate for classification through an automated scoring system. Utilizing variant allele frequency, disease prevalence and penetrance estimates, and inheritance mode, an automated score was calculated to assess if this variant is too frequent to cause the disease. Based on the score and internal cut-off values, a variant classified as benign is not then subjected to further curation. The score for this variant resulted in a classification of benign for this disease.

Breakthrough Genomics
Classification: Benign. Review status: criteria provided, single submitter. Criteria: ACMG Guidelines, 2015. Collection method: not provided. Allele origin: germline. Inheritance: Autosomal recessive inheritance. Affected: yes.